The following is an entry in ClinVar:

ClinVar aggregate classification (germline): Uncertain significance (1 of 4 stars; one submission).

Conditions:
Early-infantile DEE. Also called: Ohtahara syndrome; Early infantile epileptic encephalopathy; Early infantile epileptic encephalopathy with suppression bursts. Identifiers: Orphanet 1934, MedGen C0393706, MONDO:0800491.

Allele frequency attached by ClinVar (database versions not stated): gnomAD 0.00001.
gnomAD v4.1: 1 of 1,578,606 alleles (0.000063%); highest among the groups gnomAD compares: South Asian, 0.0012%; no homozygotes.

Submission:

Labcorp Genetics (formerly Invitae), Labcorp
Classification: Uncertain significance for Early-infantile DEE. Last evaluated: 2023-07-13. Review status: criteria provided, single submitter. Criteria: Invitae Variant Classification Sherloc (09022015). Collection method: clinical testing. Allele origin: germline.
Comment: This variant is not present in population databases (gnomAD no frequency). This sequence change replaces aspartic acid, which is acidic and polar, with asparagine, which is neutral and polar, at codon 1124 of the SCN8A protein (p.Asp1124Asn). This variant has not been reported in the literature in individuals affected with SCN8A-related conditions. In summary, the available evidence is currently insufficient to determine the role of this variant in disease. Therefore, it has been classified as a Variant of Uncertain Significance. An algorithm developed to predict the effect of missense changes on protein structure and function (PolyPhen-2) suggests that this variant is likely to be tolerated. ClinVar contains an entry for this variant (Variation ID: 1494169).

NM_001330260.2(SCN8A):c.3370G>A (p.Asp1124Asn)

Gene: SCN8A (sodium voltage-gated channel alpha subunit 8; plus strand). Cytogenetic location: 12q13.13.
Variant type: single nucleotide variant.
Coding change: c.3370G>A on transcript NM_001330260.2 (MANE Select); coding-DNA position 3370, G replaced by A.
Protein change: p.Asp1124Asn; replaces aspartic acid 1124 with asparagine.
Molecular consequence: missense variant.
Genome position (GRCh38, 1-based): chr12:51,769,333, G>A. VCF-style: chr12-51769333-G-A. GRCh37 (hg19) VCF-style: chr12-52163117-G-A.
Other names: c.3370G>A, p.Asp1124Asn (NM_001177984.3, NM_001369788.1, NM_014191.4); short protein forms D1124N.
Identifiers: ClinVar variation 1494169 (VCV001494169.9), dbSNP rs1942888203, ClinGen allele CA384894038.